The following is an entry in ClinVar:

NM_007368.4(RASA3):c.2328C>T (p.Thr776=)

Gene: RASA3 (RAS p21 protein activator 3; minus strand). Cytogenetic location: 13q34.
Variant type: single nucleotide variant.
Coding change: c.2328C>T on transcript NM_007368.4 (MANE Select); coding-DNA position 2328, C replaced by T.
Protein change: p.Thr776=; no amino-acid change (threonine 776 retained).
Molecular consequence: synonymous variant.
Genome position (GRCh38, 1-based): chr13:113,981,776, G>A on the plus strand (C>T on the coding strand, the complement: RASA3 is on the minus strand). VCF-style: chr13-113981776-G-A. GRCh37 (hg19) VCF-style: chr13-114751187-G-A.
Other names: c.1179C>T, p.Thr393= (NM_001320821.2); c.2232C>T, p.Thr744= (NM_001320822.2).
Identifiers: ClinVar variation 2644016 (VCV002644016.24), dbSNP rs2501868082, ClinGen allele CA485064265.

ClinVar aggregate classification (germline): Likely benign (1 of 4 stars; one submission).

Allele frequency attached by ClinVar (database versions not stated): gnomAD exomes below 0.00001.
gnomAD v4.1: 1 of 1,614,096 alleles (0.000062%); highest among the groups gnomAD compares: Non-Finnish European, 0.000085%; no homozygotes.

Submission:

CeGaT Center for Human Genetics Tuebingen
Classification: Likely benign. Last evaluated: 2022-06-01. Review status: criteria provided, single submitter. Criteria: CeGaT Center For Human Genetics Tuebingen Variant Classification Criteria Version 2. Collection method: clinical testing. Allele origin: germline. Affected: yes. Observed: 1 variant allele.
Comment: RASA3: PM2:Supporting, BP4, BP7